The following is an entry in ClinVar:

ClinVar aggregate classification (germline): Uncertain significance (1 of 4 stars; one submission).

Submission:

GeneDx
Classification: Uncertain significance. Last evaluated: 2024-01-22. Review status: criteria provided, single submitter. Criteria: GeneDx Variant Classification Process June 2021. Collection method: clinical testing. Allele origin: germline. Affected: yes.
Comment: Not observed at significant frequency in large population cohorts (gnomAD); In silico analysis supports that this missense variant has a deleterious effect on protein structure/function; Identified in unaffected controls only in breast or biliary tract cancer case-control studies (PMID: 30287823, 36243179); This variant is associated with the following publications: (PMID: 36243179, 30287823)

NM_004360.5(CDH1):c.2605T>C (p.Phe869Leu)

Gene: CDH1 (cadherin 1; plus strand). Cytogenetic location: 16q22.1.
Variant type: single nucleotide variant.
Coding change: c.2605T>C on transcript NM_004360.5 (MANE Select); coding-DNA position 2605, T replaced by C.
Protein change: p.Phe869Leu; replaces phenylalanine 869 with leucine.
Molecular consequence: missense variant.
Genome position (GRCh38, 1-based): chr16:68,833,455, T>C. VCF-style: chr16-68833455-T-C. GRCh37 (hg19) VCF-style: chr16-68867358-T-C.
Other names: c.2422T>C, p.Phe808Leu (NM_001317184.2); c.1057T>C, p.Phe353Leu (NM_001317185.2); c.640T>C, p.Phe214Leu (NM_001317186.2); short protein forms F214L, F353L, F808L, F869L.
Identifiers: ClinVar variation 3340632 (VCV003340632.1).